The following is an entry in ClinVar:

NM_000059.4(BRCA2):c.9919_9932del (p.Lys3307fs)

Gene: BRCA2 (BRCA2 DNA repair associated; plus strand). Cytogenetic location: 13q13.1.
Variant type: Deletion.
Coding change: c.9919_9932del on transcript NM_000059.4 (MANE Select); coding-DNA positions 9919 to 9932, 14 bases deleted (AAATACGAAACACC).
Protein change: p.Lys3307fs; shifts the reading frame from lysine 3307.
Molecular consequence: frameshift variant. On other transcripts: non-coding transcript variant (1).
Genome position (GRCh38, 1-based): chr13:32,398,432-32,398,445, AAATACGAAACACC deleted; deleting any 14 consecutive bases within chr13:32,398,428-32,398,445 gives the same sequence; the c. name uses the placement nearest the transcript's 3' end. VCF-style (leftmost placement, unchanged base first): chr13-32398427-GCACCAAATACGAAA-G. GRCh37 (hg19) VCF-style: chr13-32972564-GCACCAAATACGAAA-G.
Other names: c.9919_9932delAAATACGAAACACC, p.Lys3307Hisfs (NM_000059.3); c.9823_9836del, p.Lys3275fs (NM_001406719.1); c.9868_9881del, p.Lys3290fs (NM_001406720.1); c.4987_5000del, p.Lys1663fs (NM_001406721.1); c.3502_3515del, p.Lys1168fs (NM_001406722.1); c.9919_9932del, p.Lys3307fs (NM_001432077.1); short protein forms K3290fs, K3307fs, K1168fs, K1663fs, K3275fs.
Identifiers: ClinVar variation 3572376 (VCV003572376.1).
Genomic context (GRCh38, chr13:32,398,427, plus strand): 5'-CCATTTGTACATTTGTTTCTCCGGCTGCACAGAAGGCATTTCAGCCACCAAGGAGTTGTG[GCACCAAATACGAAA>G]CACCCATAAAGAAAAAAGAACTGAATTCTCCTCAGATGACTCCATTTAAAAAATTCAATG-3'

ClinVar aggregate classification (germline): Uncertain significance (1 of 4 stars; one submission).

Submission:

Quest Diagnostics Nichols Institute San Juan Capistrano
Classification: Uncertain significance. Last evaluated: 2024-07-02. Review status: criteria provided, single submitter. Criteria: Quest Diagnostics criteria. Collection method: clinical testing. Allele origin: unknown.
Comment: The BRCA2 c.9919_9932del (p.Lys3307Hisfs*15) variant alters the translational reading frame of the BRCA2 mRNA and is predicted to cause the premature termination of BRCA2 protein synthesis. However, this variant is located in the terminal exon of BRCA2 and the effect of the predicted truncation on BRCA2 protein function is uncertain. This variant has not been reported in individuals with BRCA2-related conditions in the published literature. This variant has not been reported in large, multi-ethnic general populations (Genome Aggregation Database). Based on the available information, we are unable to determine the clinical significance of this variant.